The following is an entry in ClinVar:

ClinVar aggregate classification (germline): Likely pathogenic (1 of 4 stars; one submission).

gnomAD v4.1: 1 of 1,614,070 alleles (0.000062%); highest among the groups gnomAD compares: Non-Finnish European, 0.000085%; no homozygotes.

Submission:

Labcorp Genetics (formerly Invitae), Labcorp
Classification: Likely pathogenic. Last evaluated: 2022-06-15. Review status: criteria provided, single submitter. Criteria: Invitae Variant Classification Sherloc (09022015). Collection method: clinical testing. Allele origin: germline.
Comment: In summary, the currently available evidence indicates that the variant is pathogenic, but additional data are needed to prove that conclusively. Therefore, this variant has been classified as Likely Pathogenic. Algorithms developed to predict the effect of missense changes on protein structure and function (SIFT, PolyPhen-2, Align-GVGD) all suggest that this variant is likely to be disruptive. A different variant (c.313G>A) giving rise to the same protein effect has been determined to be pathogenic (Invitae). This suggests that this variant is also likely to be causative of disease. This variant is not present in population databases (gnomAD no frequency). This sequence change replaces glycine, which is neutral and non-polar, with arginine, which is basic and polar, at codon 105 of the PPIB protein (p.Gly105Arg).

NM_000942.5(PPIB):c.313G>C (p.Gly105Arg)

Gene: PPIB (peptidylprolyl isomerase B; minus strand). Cytogenetic location: 15q22.31.
Variant type: single nucleotide variant.
Coding change: c.313G>C on transcript NM_000942.5 (MANE Select); coding-DNA position 313, G replaced by C.
Protein change: p.Gly105Arg; replaces glycine 105 with arginine.
Molecular consequence: missense variant.
Genome position (GRCh38, 1-based): chr15:64,160,134, C>G on the plus strand (G>C on the coding strand, the complement: PPIB is on the minus strand). VCF-style: chr15-64160134-C-G. GRCh37 (hg19) VCF-style: chr15-64452333-C-G.
Other names: short protein forms G105R.
Identifiers: ClinVar variation 1910582 (VCV001910582.5), dbSNP rs137853866, ClinGen allele CA392817867.